The following is an entry in ClinVar:

ClinVar aggregate classification (germline): Uncertain significance (1 of 4 stars; one submission).

gnomAD v4.1: 1 of 1,182,254 alleles (0.000085%); highest among the groups gnomAD compares: South Asian, 0.0019%; no homozygotes.

Submission:

GeneDx
Classification: Uncertain significance. Last evaluated: 2026-02-14. Review status: criteria provided, single submitter. Criteria: GeneDx Variant Classification Process June 2021. Collection method: clinical testing. Allele origin: germline.
Comment: Not observed at significant frequency in large population cohorts (gnomAD); In silico analysis suggests that this missense variant does not alter protein structure/function; Has not been previously published as pathogenic or benign to our knowledge

NM_181672.3(OGT):c.2584G>T (p.Ala862Ser)

Gene: OGT (O-linked N-acetylglucosamine (GlcNAc) transferase; plus strand). Cytogenetic location: Xq13.1.
Variant type: single nucleotide variant.
Coding change: c.2584G>T on transcript NM_181672.3 (MANE Select); coding-DNA position 2584, G replaced by T.
Protein change: p.Ala862Ser; replaces alanine 862 with serine.
Molecular consequence: missense variant.
Genome position (GRCh38, 1-based): chrX:71,564,748, G>T. VCF-style: chrX-71564748-G-T. GRCh37 (hg19) VCF-style: chrX-70784598-G-T.
Other names: c.2554G>T, p.Ala852Ser (NM_181673.3); short protein forms A852S, A862S.
Identifiers: ClinVar variation 5009284 (VCV005009284.1).